The following is an entry in ClinVar:

NM_001384474.1(LOXHD1):c.4989G>A (p.Trp1663Ter)

Gene: LOXHD1 (lipoxygenase homology PLAT domains 1; minus strand). Cytogenetic location: 18q21.1.
Variant type: single nucleotide variant.
Coding change: c.4989G>A on transcript NM_001384474.1 (MANE Select); coding-DNA position 4989, G replaced by A.
Protein change: p.Trp1663Ter; replaces tryptophan 1663 with a stop codon.
Molecular consequence: nonsense.
Genome position (GRCh38, 1-based): chr18:46,522,197, C>T on the plus strand (G>A on the coding strand, the complement: LOXHD1 is on the minus strand). VCF-style: chr18-46522197-C-T. GRCh37 (hg19) VCF-style: chr18-44102160-C-T.
Other names: c.1656G>A, p.Trp552Ter (NM_001145472.3); c.1368G>A, p.Trp456Ter (NM_001308013.2); c.4989G>A, p.Trp1663Ter (NM_144612.7); c.4989G>A (NM_144612.6); short protein forms W1663*, W456*, W552*.
Identifiers: ClinVar variation 595327 (VCV000595327.11), dbSNP rs1223508098, ClinGen allele CA402371793.

ClinVar aggregate classification (germline): Pathogenic/Likely pathogenic. Review status: criteria provided, multiple submitters, no conflicts (2 of 4 stars). 4 submissions from 4 submitters: Pathogenic (1); Likely pathogenic (3). Last evaluated 2026-07-17.

Conditions:
LOXHD1-related disorder. Also called: LOXHD1-related condition.
Autosomal recessive nonsyndromic hearing loss 77. Identifiers: Orphanet 90636, MedGen C2746083, MONDO:0013119, OMIM 613079.

Allele frequency attached by ClinVar (database versions not stated): gnomAD exomes below 0.00001; TOPMed below 0.00001; gnomAD 0.00001.
gnomAD v4.1: 4 of 1,551,644 alleles (0.00026%); highest among the groups gnomAD compares: Non-Finnish European, 0.00035%; no homozygotes.

Submissions (4):

PreventionGenetics, part of Exact Sciences
Classification: Likely pathogenic for LOXHD1-related condition. Last evaluated: 2026-07-17. Review status: criteria provided, single submitter. Criteria: ACMG Guidelines, 2015. Collection method: clinical testing. Allele origin: germline.
Comment: The LOXHD1 c.4989G>A variant is predicted to result in premature protein termination (p.Trp1663*). To our knowledge, this variant has not been reported in the literature in a large population database (gnomAD), indicating this variant is rare. Nonsense variants in LOXHD1 are expected to be pathogenic. This variant is interpreted as likely pathogenic.

Labcorp Genetics (formerly Invitae), Labcorp
Classification: Pathogenic. Last evaluated: 2025-12-30. Review status: criteria provided, single submitter. Criteria: Invitae Variant Classification Sherloc (09022015). Collection method: clinical testing. Allele origin: germline.
Comment: This sequence change creates a premature translational stop signal (p.Trp1663*) in the LOXHD1 gene. It is expected to result in an absent or disrupted protein product. Loss-of-function variants in LOXHD1 are known to be pathogenic (PMID: 19732867, 21465660, 25792669). This variant is not present in population databases (gnomAD no frequency). This variant has not been reported in the literature in individuals affected with LOXHD1-related conditions. ClinVar contains an entry for this variant (Variation ID: 595327). For these reasons, this variant has been classified as Pathogenic.

Natera, Inc.
Classification: Likely pathogenic for Autosomal recessive deafness type 77. Last evaluated: 2024-12-24. Review status: criteria provided, single submitter. Criteria: Natera Variant Classification Schema (03/2026). Collection method: clinical testing. Allele origin: germline.
Comment: The c.4989G>A variant in LOXHD1 is a nonsense variant predicted to introduce a stop codon at amino acid 1663. This variant is expected to result in nonsense mediated decay, truncation, or a dysfunctional protein product. This variant is rare in the general population with a frequency below the threshold expected for the associated phenotype(s). Given the available evidence, this variant is classified as Likely Pathogenic.

Eurofins Ntd Llc (ga)
Classification: Likely pathogenic. Last evaluated: 2017-12-26. Review status: criteria provided, single submitter. Criteria: EGL Classification Definitions 2015. Collection method: clinical testing. Allele origin: germline. Observed: 2 variant alleles, 2 heterozygotes.

Literature cited by the submitters: PubMed 19732867 (cited by Labcorp Genetics (formerly Invitae), Labcorp); PubMed 21465660 (cited by Labcorp Genetics (formerly Invitae), Labcorp); PubMed 25792669 (cited by Labcorp Genetics (formerly Invitae), Labcorp).